The following is an entry in ClinVar:

ClinVar aggregate classification (germline): Benign. Review status: criteria provided, multiple submitters, no conflicts (2 of 4 stars). 6 submissions from 6 submitters: Benign (5). 1 of the submissions does not count toward it. Last evaluated 2026-02-01.

Conditions:
GSR-related disorder. Also called: GSR-related condition.
Hemolytic anemia due to glutathione reductase deficiency (CNSHA10). Also called: ANEMIA, CONGENITAL, NONSPHEROCYTIC HEMOLYTIC, 10. Identifiers: Orphanet 90030, MedGen C5231513, MONDO:0019531, OMIM 618660.

Allele frequency attached by ClinVar (database versions not stated): gnomAD exomes 0.02269; ExAC 0.03844; ESP Exome Variant Server 0.04808; gnomAD 0.07294 and 0.07666; TOPMed 0.08126; 1000 Genomes Project 0.08746; 1000 Genomes Project 30x 0.09072.
gnomAD v4.1: 28,212 of 1,533,114 alleles (1.8%); highest among the groups gnomAD compares: African/African-American, 23%; 2,255 homozygotes.

Submissions (6):

Labcorp Genetics (formerly Invitae), Labcorp
Classification: Benign. Last evaluated: 2026-02-01. Review status: criteria provided, single submitter. Criteria: Invitae Variant Classification Sherloc (09022015). Collection method: clinical testing. Allele origin: germline.

ARUP Laboratories, Molecular Genetics and Genomics, ARUP Laboratories
Classification: Benign for Hemolytic anemia due to glutathione reductase deficiency. Last evaluated: 2025-07-28. Review status: criteria provided, single submitter. Criteria: ARUP Molecular Germline Variant Investigation Process 2024. Collection method: clinical testing. Allele origin: germline.

Mayo Clinic Laboratories, Mayo Clinic
Classification: Benign. Last evaluated: 2022-05-17. Review status: criteria provided, single submitter. Criteria: ACMG Guidelines, 2015. Collection method: clinical testing. Allele origin: germline. Observed: 161 variant alleles.
Comment: BS1, BS2

GeneDx
Classification: Benign. Last evaluated: 2021-06-09. Review status: criteria provided, single submitter. Criteria: GeneDx Variant Classification Process June 2021. Collection method: clinical testing. Allele origin: germline. Affected: yes.

Breakthrough Genomics
Classification: Benign. Review status: criteria provided, single submitter. Criteria: ACMG Guidelines, 2015. Collection method: not provided. Allele origin: germline. Inheritance: Autosomal recessive inheritance. Affected: yes.

PreventionGenetics, part of Exact Sciences
Classification: Benign for GSR-related condition. Last evaluated: 2019-03-28. Review status: no assertion criteria provided. Collection method: clinical testing. Allele origin: germline. Not counted in ClinVar's aggregate classification.
Comment: This variant is classified as benign based on ACMG/AMP sequence variant interpretation guidelines (Richards et al. 2015 PMID: 25741868, with internal and published modifications).

NM_000637.5(GSR):c.261T>C (p.Gly87=)

Genes: GSR (glutathione-disulfide reductase; minus strand), LOC130000170 (ATAC-STARR-seq lymphoblastoid silent region 19083; plus strand). Cytogenetic location: 8p12.
Variant type: single nucleotide variant.
Coding change: c.261T>C on transcript NM_000637.5 (MANE Select); coding-DNA position 261, T replaced by C.
Protein change: p.Gly87=; no amino-acid change (glycine 87 retained).
Molecular consequence: synonymous variant.
Genome position (GRCh38, 1-based): chr8:30,727,575, A>G on the plus strand (T>C on the coding strand, the complement: GSR is on the minus strand). VCF-style: chr8-30727575-A-G. GRCh37 (hg19) VCF-style: chr8-30585092-A-G.
Other names: p.Gly87=; c.261T>C, p.Gly87= (NM_001195102.3, NM_001195103.3, NM_001195104.3).
Identifiers: ClinVar variation 811569 (VCV000811569.28), dbSNP rs2280855, ClinGen allele CA4701592.
Genomic context (GRCh38, chr8:30,727,575, plus strand): 5'-ACCGGCGGTACTCACGCAAGTGCCACCCAGCTTGTGGCTCTCCACCACGGCGGCCCTGGC[A>G]CCCAGCTCGGCCGCCCTGCGCGCGCTGGCCAGCCCGCCCGAGCCGCCCCCGATCACCAGG-3'
Protein context (NP_000628.2, residues 77-97): LASARRAAEL[Gly87=]ARAAVVESHK